The following is an entry in ClinVar:

ClinVar aggregate classification (germline): Uncertain significance (1 of 4 stars; one submission).

Conditions:
Inborn genetic diseases. Identifiers: MedGen C0950123, MeSH D030342.

gnomAD v4.1: 1 of 1,613,736 alleles (0.000062%); highest among the groups gnomAD compares: South Asian, 0.0011%; no homozygotes.

Submission:

Ambry Genetics
Classification: Uncertain significance for Inborn genetic diseases. Last evaluated: 2021-06-13. Review status: criteria provided, single submitter. Criteria: Ambry Variant Classification Scheme 2023. Collection method: clinical testing. Allele origin: germline.
Comment: The p.P557T variant (also known as c.1669C>A), located in coding exon 15 of the LRRK2 gene, results from a C to A substitution at nucleotide position 1669. The proline at codon 557 is replaced by threonine, an amino acid with highly similar properties. This amino acid position is conserved. In addition, the in silico prediction for this alteration is inconclusive. Since supporting evidence is limited at this time, the clinical significance of this alteration remains unclear.

NM_198578.4(LRRK2):c.1669C>A (p.Pro557Thr)

Gene: LRRK2 (leucine rich repeat kinase 2; plus strand). Cytogenetic location: 12q12.
Variant type: single nucleotide variant.
Coding change: c.1669C>A on transcript NM_198578.4 (MANE Select); coding-DNA position 1669, C replaced by A.
Protein change: p.Pro557Thr; replaces proline 557 with threonine.
Molecular consequence: missense variant.
Genome position (GRCh38, 1-based): chr12:40,274,595, C>A. VCF-style: chr12-40274595-C-A. GRCh37 (hg19) VCF-style: chr12-40668397-C-A.
Other names: short protein forms P557T.
Identifiers: ClinVar variation 3229524 (VCV003229524.1), dbSNP rs757163053, ClinGen allele CA384402671.